The following is an entry in ClinVar:

ClinVar aggregate classification (germline): Uncertain significance. Review status: criteria provided, multiple submitters, no conflicts (2 of 4 stars). 2 submissions from 2 submitters: Uncertain significance (2). Last evaluated 2024-04-29.

Conditions:
Pseudohypoaldosteronism type 2C (PHA2C). Also called: Pseudohypoaldosteronism Type IIC. Identifiers: Orphanet 757, Orphanet 88940, MedGen C1840391, MONDO:0013778, OMIM 614492.
Neuropathy, hereditary sensory and autonomic, type 2A (HSAN2A). Also called: ACROOSTEOLYSIS, GIACCAI TYPE; ACROOSTEOLYSIS, NEUROGENIC; MORVAN DISEASE; NEUROPATHY, CONGENITAL SENSORY; NEUROPATHY, HEREDITARY SENSORY RADICULAR, AUTOSOMAL RECESSIVE; NEUROPATHY, HEREDITARY SENSORY, TYPE IIA. Identifiers: Orphanet 970, MedGen C2752089, MONDO:0024309, OMIM 201300.

Allele frequency attached by ClinVar (database versions not stated): gnomAD exomes below 0.00001; TOPMed 0.00001.
gnomAD v4.1: 5 of 1,614,148 alleles (0.00031%); highest among the groups gnomAD compares: South Asian, 0.0011%; no homozygotes.

Submissions (2):

Labcorp Genetics (formerly Invitae), Labcorp
Classification: Uncertain significance for Neuropathy, hereditary sensory and autonomic, type 2A; Pseudohypoaldosteronism type 2C. Last evaluated: 2024-04-29. Review status: criteria provided, single submitter. Criteria: Invitae Variant Classification Sherloc (09022015). Collection method: clinical testing. Allele origin: germline.
Comment: This sequence change replaces glycine, which is neutral and non-polar, with serine, which is neutral and polar, at codon 2125 of the WNK1 protein (p.Gly2125Ser). This variant is present in population databases (no rsID available, gnomAD 0.003%). This variant has not been reported in the literature in individuals affected with WNK1-related conditions. ClinVar contains an entry for this variant (Variation ID: 999622). Advanced modeling of protein sequence and biophysical properties (such as structural, functional, and spatial information, amino acid conservation, physicochemical variation, residue mobility, and thermodynamic stability) performed at Invitae indicates that this missense variant is not expected to disrupt WNK1 protein function with a negative predictive value of 95%. In summary, the available evidence is currently insufficient to determine the role of this variant in disease. Therefore, it has been classified as a Variant of Uncertain Significance.

Fulgent Genetics
Classification: Uncertain significance for Neuropathy, hereditary sensory and autonomic, type 2A; Pseudohypoaldosteronism type 2C. Last evaluated: 2023-12-24. Review status: criteria provided, single submitter. Criteria: ACMG Guidelines, 2015. Collection method: clinical testing. Allele origin: germline.

NM_018979.4(WNK1):c.5617G>A (p.Gly1873Ser)

Gene: WNK1 (WNK lysine deficient protein kinase 1; plus strand). Cytogenetic location: 12p13.33.
Variant type: single nucleotide variant.
Coding change: c.5617G>A on transcript NM_018979.4 (MANE Select); coding-DNA position 5617, G replaced by A.
Protein change: p.Gly1873Ser; replaces glycine 1873 with serine.
Molecular consequence: missense variant.
Genome position (GRCh38, 1-based): chr12:896,104, G>A. VCF-style: chr12-896104-G-A. GRCh37 (hg19) VCF-style: chr12-1005270-G-A.
Other names: c.6397G>A, p.Gly2133Ser (NM_001184985.2); c.4873G>A, p.Gly1625Ser (NM_014823.3); c.6373G>A, p.Gly2125Ser (NM_213655.5); short protein forms G1625S, G1873S, G2125S, G2133S.
Identifiers: ClinVar variation 999622 (VCV000999622.9), dbSNP rs1179634162, ClinGen allele CA383334475.